The following is an entry in ClinVar:

ClinVar aggregate classification (germline): Uncertain significance. Review status: criteria provided, multiple submitters, no conflicts (2 of 4 stars). 2 submissions from 2 submitters: Uncertain significance (2). Last evaluated 2024-08-28.

Conditions:
Neonatal diabetes mellitus with congenital hypothyroidism. Also called: NDH SYNDROME. Identifiers: Orphanet 79118, MedGen C1857775, MONDO:0012436, OMIM 610199.

Allele frequency attached by ClinVar (database versions not stated): TOPMed below 0.00001; ExAC 0.00001; gnomAD exomes 0.00001 and 0.00002.
gnomAD v4.1: 14 of 1,614,188 alleles (0.00087%); highest among the groups gnomAD compares: East Asian, 0.0045%; no homozygotes.

Submissions (2):

Labcorp Genetics (formerly Invitae), Labcorp
Classification: Uncertain significance. Last evaluated: 2024-08-28. Review status: criteria provided, single submitter. Criteria: Invitae Variant Classification Sherloc (09022015). Collection method: clinical testing. Allele origin: germline.
Comment: This sequence change replaces asparagine, which is neutral and polar, with serine, which is neutral and polar, at codon 162 of the GLIS3 protein (p.Asn162Ser). This variant is present in population databases (rs201716083, gnomAD 0.005%). This variant has not been reported in the literature in individuals affected with GLIS3-related conditions. ClinVar contains an entry for this variant (Variation ID: 1502124). An algorithm developed to predict the effect of missense changes on protein structure and function (PolyPhen-2) suggests that this variant is likely to be disruptive. In summary, the available evidence is currently insufficient to determine the role of this variant in disease. Therefore, it has been classified as a Variant of Uncertain Significance.

Fulgent Genetics
Classification: Uncertain significance for Neonatal diabetes mellitus with congenital hypothyroidism. Last evaluated: 2021-12-25. Review status: criteria provided, single submitter. Criteria: ACMG Guidelines, 2015. Collection method: clinical testing. Allele origin: unknown.

NM_001042413.2(GLIS3):c.950A>G (p.Asn317Ser)

Gene: GLIS3 (GLIS family zinc finger 3; minus strand). Cytogenetic location: 9p24.2.
Variant type: single nucleotide variant.
Coding change: c.950A>G on transcript NM_001042413.2 (MANE Select); coding-DNA position 950, A replaced by G.
Protein change: p.Asn317Ser; replaces asparagine 317 with serine.
Molecular consequence: missense variant.
Genome position (GRCh38, 1-based): chr9:4,118,528, T>C on the plus strand (A>G on the coding strand, the complement: GLIS3 is on the minus strand). VCF-style: chr9-4118528-T-C. GRCh37 (hg19) VCF-style: chr9-4118528-T-C.
Other names: c.485A>G, p.Asn162Ser (NM_152629.4); short protein forms N162S, N317S.
Identifiers: ClinVar variation 1502124 (VCV001502124.7), dbSNP rs201716083, ClinGen allele CA4968358.